The following is an entry in ClinVar:

ClinVar aggregate classification (germline): Benign/Likely benign. Review status: criteria provided, multiple submitters, no conflicts (2 of 4 stars). 7 submissions from 6 submitters: Benign (3); Likely benign (4). Last evaluated 2026-03-27.

Conditions:
Cutis laxa, autosomal dominant 1 (ADCL1). Also called: ELN-Related Cutis Laxa. Identifiers: Orphanet 90348, MedGen C3276539, MONDO:0007411, OMIM 123700. Disease mechanism: Dominant Negative.
Supravalvar aortic stenosis (SVAS). Also called: Supravalvar aortic stenosis, Eisenberg type. Identifiers: Orphanet 3193, MedGen C0003499, MONDO:0008504, OMIM 185500, HP:0004381.

Allele frequency attached by ClinVar (database versions not stated): TOPMed 0.00018; ESP Exome Variant Server 0.00023; gnomAD exomes 0.00055 and 0.00111; gnomAD 0.00074 and 0.00080; ExAC 0.00104.
gnomAD v4.1: 951 of 1,613,662 alleles (0.059%); highest among the groups gnomAD compares: South Asian, 0.038%; 2 homozygotes.

Submissions (7):

Molecular Diagnostic Laboratory for Inherited Cardiovascular Disease, Montreal Heart Institute
Classification: Likely benign. Last evaluated: 2026-03-27. Review status: criteria provided, single submitter. Criteria: ACMG Guidelines, 2015. Collection method: clinical testing. Allele origin: germline. Affected: no.
Comment: BS1, BP1

Labcorp Genetics (formerly Invitae), Labcorp
Classification: Benign for Supravalvar aortic stenosis. Last evaluated: 2025-12-30. Review status: criteria provided, single submitter. Criteria: Invitae Variant Classification Sherloc (09022015). Collection method: clinical testing. Allele origin: germline.

Blueprint Genetics
Classification: Benign. Last evaluated: 2024-10-04. Review status: criteria provided, single submitter. Criteria: ACMG Guidelines, 2015. Collection method: clinical testing. Allele origin: germline.

GeneDx
Classification: Likely benign. Last evaluated: 2020-11-12. Review status: criteria provided, single submitter. Criteria: GeneDx Variant Classification Process June 2021. Collection method: clinical testing. Allele origin: germline. Affected: yes.

Illumina Laboratory Services, Illumina
Classification: Benign for Cutis laxa, autosomal dominant 1. Last evaluated: 2018-01-13. Review status: criteria provided, single submitter. Criteria: ICSL Variant Classification Criteria 13 December 2019. Collection method: clinical testing. Allele origin: germline.
Comment: This variant was observed in the ICSL laboratory as part of a predisposition screen in an ostensibly healthy population. It had not been previously curated by ICSL or reported in the Human Gene Mutation Database (HGMD: prior to June 1st, 2018), and was therefore a candidate for classification through an automated scoring system. Utilizing variant allele frequency, disease prevalence and penetrance estimates, and inheritance mode, an automated score was calculated to assess if this variant is too frequent to cause the disease. Based on the score and internal cut-off values, a variant classified as benign is not then subjected to further curation. The score for this variant resulted in a classification of benign for this disease.

Illumina Laboratory Services, Illumina
Classification: Likely benign for Supravalvar aortic stenosis. Last evaluated: 2018-01-13. Review status: criteria provided, single submitter. Criteria: ICSL Variant Classification Criteria 13 December 2019. Collection method: clinical testing. Allele origin: germline.
Comment: This variant was observed in the ICSL laboratory as part of a predisposition screen in an ostensibly healthy population. It had not been previously curated by ICSL or reported in the Human Gene Mutation Database (HGMD: prior to June 1st, 2018), and was therefore a candidate for classification through an automated scoring system. Utilizing variant allele frequency, disease prevalence and penetrance estimates, and inheritance mode, an automated score was calculated to assess if this variant is too frequent to cause the disease. Based on the score and internal cut-off values, a variant classified as likely benign is not then subjected to further curation. The score for this variant resulted in a classification of likely benign for this disease.

Breakthrough Genomics
Classification: Likely benign. Review status: criteria provided, single submitter. Criteria: ACMG Guidelines, 2015. Collection method: not provided. Allele origin: germline. Inheritance: Autosomal dominant inheritance. Affected: yes.

NM_000501.4(ELN):c.259T>C (p.Phe87Leu)

Gene: ELN (elastin; plus strand). Cytogenetic location: 7q11.23.
Variant type: single nucleotide variant.
Coding change: c.259T>C on transcript NM_000501.4 (MANE Select); coding-DNA position 259, T replaced by C.
Protein change: p.Phe87Leu; replaces phenylalanine 87 with leucine.
Molecular consequence: missense variant.
Genome position (GRCh38, 1-based): chr7:74,042,640, T>C. VCF-style: chr7-74042640-T-C. GRCh37 (hg19) VCF-style: chr7-73456970-T-C.
Other names: c.229T>C, p.Phe77Leu (NM_001081752.3, NM_001278914.2, NM_001278917.2 and 1 more transcripts); c.259T>C, p.Phe87Leu (NM_001081753.3, NM_001081754.3, NM_001081755.3 and 4 more transcripts); c.223T>C, p.Phe75Leu (NM_001278913.2); short protein forms F87L, F77L, F75L.
Identifiers: ClinVar variation 360635 (VCV000360635.20), dbSNP rs140411170, ClinGen allele CA4292410.
Genomic context (GRCh38, chr7:74,042,640, plus strand): 5'-AGCTCAGGACCTCACCCCATCCTCCCCTCCGCAGGGCTCGGCGCCTTCCCCGCAGTTACC[T>C]TTCCGGGGGCTCTGGTGCCTGGTGGAGTGGCTGACGCTGCTGCAGCCTATAAAGCTGCTA-3'
Protein context (NP_000492.2, residues 77-97): AGLGAFPAVT[Phe87Leu]PGALVPGGVA